The following is an entry in ClinVar:

NM_001318852.2(MAPK8IP3):c.2446+3G>A

Gene: MAPK8IP3 (mitogen-activated protein kinase 8 interacting protein 3; plus strand). Cytogenetic location: 16p13.3.
Variant type: single nucleotide variant.
Coding change: c.2446+3G>A on transcript NM_001318852.2 (MANE Select); 3 bases into the intron after coding-DNA position 2446, G replaced by A.
Molecular consequence: intron variant.
Genome position (GRCh38, 1-based): chr16:1,765,181, G>A. VCF-style: chr16-1765181-G-A. GRCh37 (hg19) VCF-style: chr16-1815182-G-A.
Other names: c.2443+3G>A (NM_015133.5); c.2425+3G>A (NM_001040439.2).
Identifiers: ClinVar variation 3250971 (VCV003250971.18), dbSNP rs191132597.

ClinVar aggregate classification (germline): Likely benign (1 of 4 stars; one submission).

Allele frequency attached by ClinVar (database versions not stated): gnomAD exomes below 0.00001; TOPMed 0.00002; gnomAD 0.00003; ExAC 0.00006; 1000 Genomes Project 30x 0.00078; 1000 Genomes Project 0.00080.
gnomAD v4.1: 8 of 1,586,204 alleles (0.0005%); highest among the groups gnomAD compares: East Asian, 0.014%; no homozygotes.

Submission:

CeGaT Center for Human Genetics Tuebingen
Classification: Likely benign. Last evaluated: 2024-07-01. Review status: criteria provided, single submitter. Criteria: CeGaT Center For Human Genetics Tuebingen Variant Classification Criteria Version 2. Collection method: clinical testing. Allele origin: germline. Affected: yes. Observed: 1 variant allele.
Comment: MAPK8IP3: BP4